The following is an entry in ClinVar:

ClinVar aggregate classification (germline): Uncertain significance. Review status: criteria provided, multiple submitters, no conflicts (2 of 4 stars). 3 submissions from 3 submitters: Uncertain significance (3). Last evaluated 2025-09-07.

Conditions:
Dilated cardiomyopathy 1Y (CMD1Y). Identifiers: Orphanet 154, Orphanet 54260, MedGen C2678476, MONDO:0012744, OMIM 611878.
Hypertrophic cardiomyopathy 3. Also called: TPM1-Related Familial Hypertrophic Cardiomyopathy. Identifiers: MedGen C1861863, MONDO:0007267, OMIM 115196.
Hypertrophic cardiomyopathy. Also called: HYPERTROPHIC MYOCARDIOPATHY. Identifiers: Orphanet 217569, MedGen C0007194, MeSH D002312, MONDO:0005045, HP:0001639.
Cardiovascular phenotype. Identifiers: MedGen CN230736.

Allele frequency attached by ClinVar (database versions not stated): gnomAD exomes below 0.00001; ExAC 0.00001; gnomAD 0.00001; TOPMed 0.00001.
gnomAD v4.1: 4 of 1,614,080 alleles (0.00025%); highest among the groups gnomAD compares: African/African-American, 0.004%; no homozygotes.

Submissions (3):

Labcorp Genetics (formerly Invitae), Labcorp
Classification: Uncertain significance for Hypertrophic cardiomyopathy. Last evaluated: 2025-09-07. Review status: criteria provided, single submitter. Criteria: Invitae Variant Classification Sherloc (09022015). Collection method: clinical testing. Allele origin: germline.
Comment: This sequence change replaces isoleucine, which is neutral and non-polar, with valine, which is neutral and non-polar, at codon 171 of the TPM1 protein (p.Ile171Val). This variant is present in population databases (rs774903903, gnomAD 0.008%). This variant has not been reported in the literature in individuals affected with TPM1-related conditions. ClinVar contains an entry for this variant (Variation ID: 1430748). An algorithm developed to predict the effect of missense changes on protein structure and function (PolyPhen-2) suggests that this variant is likely to be disruptive. In summary, the available evidence is currently insufficient to determine the role of this variant in disease. Therefore, it has been classified as a Variant of Uncertain Significance.

Ambry Genetics
Classification: Uncertain significance for Cardiovascular phenotype. Last evaluated: 2021-11-03. Review status: criteria provided, single submitter. Criteria: Ambry Variant Classification Scheme 2023. Collection method: clinical testing. Allele origin: germline.
Comment: The p.I171V variant (also known as c.511A>G), located in coding exon 5 of the TPM1 gene, results from an A to G substitution at nucleotide position 511. The isoleucine at codon 171 is replaced by valine, an amino acid with highly similar properties. This variant was observed in one control individual from a hypertrophic cardiomyopathy (HCM) study; however, clinical details were limited (Kapplinger JD et al. J Cardiovasc Transl Res, 2014 Apr;7:347-61). This amino acid position is highly conserved in available vertebrate species. In addition, this alteration is predicted to be deleterious by in silico analysis. Since supporting evidence is limited at this time, the clinical significance of this alteration remains unclear.

Fulgent Genetics
Classification: Uncertain significance for Hypertrophic cardiomyopathy 3; Dilated cardiomyopathy 1Y. Last evaluated: 2021-07-30. Review status: criteria provided, single submitter. Criteria: ACMG Guidelines, 2015. Collection method: clinical testing. Allele origin: unknown.

Literature cited by the submitters: PubMed 24510615 (cited by Ambry Genetics).

NM_001018005.2(TPM1):c.511A>G (p.Ile171Val)

Gene: TPM1 (tropomyosin 1; plus strand). Cytogenetic location: 15q22.2.
Variant type: single nucleotide variant.
Coding change: c.511A>G on transcript NM_001018005.2 (MANE Select); coding-DNA position 511, A replaced by G.
Protein change: p.Ile171Val; replaces isoleucine 171 with valine.
Molecular consequence: missense variant.
Genome position (GRCh38, 1-based): chr15:63,060,887, A>G. VCF-style: chr15-63060887-A-G. GRCh37 (hg19) VCF-style: chr15-63353086-A-G.
Other names: c.511A>G, p.Ile171Val (NM_000366.6, NM_001018004.2, NM_001018006.2 and 6 more transcripts); c.403A>G, p.Ile135Val (NM_001018008.2, NM_001301289.2, NM_001330344.2 and 5 more transcripts); c.637A>G, p.Ile213Val (NM_001365778.1); short protein forms I135V, I213V, I171V.
Identifiers: ClinVar variation 1430748 (VCV001430748.11), dbSNP rs774903903, ClinGen allele CA029907.
Genomic context (GRCh38, chr15:63,060,887, plus strand): 5'-TTGCAAGACCCATGGTGTGTGTGTTGTGTCTTCCTGCTGCAGGTGGCCCGTAAGCTGGTC[A>G]TCATTGAGAGCGACCTGGAACGTGCAGAGGAGCGGGCTGAGCTCTCAGAAGGGTAAGCGG-3'
Protein context (NP_001018005.1, residues 161-181): KYEEVARKLV[Ile171Val]IESDLERAEE